The following is an entry in ClinVar:

ClinVar aggregate classification (germline): Uncertain significance (1 of 4 stars; one submission).

Submission:

Labcorp Genetics (formerly Invitae), Labcorp
Classification: Uncertain significance. Last evaluated: 2024-06-29. Review status: criteria provided, single submitter. Criteria: Invitae Variant Classification Sherloc (09022015). Collection method: clinical testing. Allele origin: germline.
Comment: This sequence change replaces alanine, which is neutral and non-polar, with serine, which is neutral and polar, at codon 273 of the FAR1 protein (p.Ala273Ser). This variant is not present in population databases (gnomAD no frequency). This variant has not been reported in the literature in individuals affected with FAR1-related conditions. Advanced modeling of protein sequence and biophysical properties (such as structural, functional, and spatial information, amino acid conservation, physicochemical variation, residue mobility, and thermodynamic stability) performed at Invitae indicates that this missense variant is not expected to disrupt FAR1 protein function with a negative predictive value of 80%. In summary, the available evidence is currently insufficient to determine the role of this variant in disease. Therefore, it has been classified as a Variant of Uncertain Significance.

NM_032228.6(FAR1):c.817G>T (p.Ala273Ser)

Gene: FAR1 (fatty acyl-CoA reductase 1; plus strand). Cytogenetic location: 11p15.3.
Variant type: single nucleotide variant.
Coding change: c.817G>T on transcript NM_032228.6 (MANE Select); coding-DNA position 817, G replaced by T.
Protein change: p.Ala273Ser; replaces alanine 273 with serine.
Molecular consequence: missense variant.
Genome position (GRCh38, 1-based): chr11:13,711,976, G>T. VCF-style: chr11-13711976-G-T. GRCh37 (hg19) VCF-style: chr11-13733523-G-T.
Other names: short protein forms A273S.
Identifiers: ClinVar variation 3658193 (VCV003658193.2).